The following is an entry in ClinVar:

NM_001128159.3(VPS53):c.238C>T (p.Arg80Ter)

Gene: VPS53 (VPS53 subunit of GARP complex; minus strand). Cytogenetic location: 17p13.3.
Variant type: single nucleotide variant.
Coding change: c.238C>T on transcript NM_001128159.3 (MANE Select); coding-DNA position 238, C replaced by T.
Protein change: p.Arg80Ter; replaces arginine 80 with a stop codon.
Molecular consequence: nonsense. On other transcripts: 5 prime UTR variant (1).
Genome position (GRCh38, 1-based): chr17:697,465, G>A on the plus strand (C>T on the coding strand, the complement: VPS53 is on the minus strand). VCF-style: chr17-697465-G-A. GRCh37 (hg19) VCF-style: chr17-600705-G-A.
Other names: c.238C>T, p.Arg80Ter (NM_001366253.2, NM_018289.4); c.-455C>T (NM_001366254.2); short protein forms R80*.
Identifiers: ClinVar variation 3582399 (VCV003582399.2).
Genomic context (GRCh38, chr17:697,465, plus strand): 5'-ATGAGTTACTTACTTGCCGTCCATCCTGCCCCACGTTCGTCTGACCTCTTACAACAGTTC[G>A]AATATTGTCATCCAGTCTCCTAGCAAAACAGTTCAAGGATACAGTCATTCAAATAATCTT-3'

ClinVar aggregate classification (germline): Pathogenic/Likely pathogenic. Review status: criteria provided, multiple submitters, no conflicts (2 of 4 stars). 2 submissions from 2 submitters: Pathogenic (1); Likely pathogenic (1). Last evaluated 2026-09-02.

Conditions:
Fetal anomalies with a likely genetic cause.
Pontocerebellar hypoplasia type 2E. Identifiers: Orphanet 247198, MedGen C4014488, MONDO:0014370, OMIM 615851.

gnomAD v4.1: 102 of 1,613,656 alleles (0.0063%); highest among the groups gnomAD compares: Non-Finnish European, 0.0086%; no homozygotes.

Submissions (2):

Genetics Laboratory, Great Ormond Street Hospital NHS Foundation Trust, North Thames Genomic Laboratory Hub
Classification: Pathogenic for Fetal anomalies with a likely genetic cause. Last evaluated: 2026-09-02. Review status: criteria provided, single submitter. Criteria: ACGS Best Practice Guidelines for Variant Classification in Rare Disease 2024 v1.2. Collection method: clinical testing. Allele origin: germline. Affected: yes.
Comment: PM2_moderate, PVS1_very-strong

Fulgent Genetics
Classification: Likely pathogenic for Pontocerebellar hypoplasia type 2E. Last evaluated: 2024-05-14. Review status: criteria provided, single submitter. Criteria: ACMG Guidelines, 2015. Collection method: clinical testing. Allele origin: germline.